The following is an entry in ClinVar:

NM_001029896.2(WDR45):c.1036G>T (p.Glu346Ter)

Gene: WDR45 (WD repeat domain 45; minus strand). Cytogenetic location: Xp11.23.
Variant type: single nucleotide variant.
Coding change: c.1036G>T on transcript NM_001029896.2 (MANE Select); coding-DNA position 1036, G replaced by T.
Protein change: p.Glu346Ter; replaces glutamic acid 346 with a stop codon.
Molecular consequence: nonsense.
Genome position (GRCh38, 1-based): chrX:49,074,850, C>A on the plus strand (G>T on the coding strand, the complement: WDR45 is on the minus strand). VCF-style: chrX-49074850-C-A. GRCh37 (hg19) VCF-style: chrX-48932509-C-A.
Other names: c.1039G>T, p.Glu347Ter (NM_007075.4); short protein forms E346*, E347*.
Identifiers: ClinVar variation 643939 (VCV000643939.8), dbSNP rs1602537159, ClinGen allele CA412941290.
Genomic context (GRCh38, chrX:49,074,850, plus strand): 5'-GCCCCCAGGGTCCTTAAAAGTCATCATCATCACAGATGTCAAGGTACACGTCGAAAGCCT[C>A]TCTGTTGCAGTTTCCATCAGGAGTGAAGACATATTTGTGGAAGGTCCCATCTACGCAGAT-3'

ClinVar aggregate classification (germline): Pathogenic (1 of 4 stars; one submission).

Conditions:
Neurodegeneration with brain iron accumulation 5 (NBIA5). Also called: STATIC ENCEPHALOPATHY OF CHILDHOOD WITH NEURODEGENERATION IN ADULTHOOD; Beta-propeller protein-associated neurodegeneration. Identifiers: Orphanet 329284, MedGen C3550973, MONDO:0010476, OMIM 300894.

Submission:

Labcorp Genetics (formerly Invitae), Labcorp
Classification: Pathogenic for Neurodegeneration with brain iron accumulation 5. Last evaluated: 2022-10-28. Review status: criteria provided, single submitter. Criteria: Invitae Variant Classification Sherloc (09022015). Collection method: clinical testing. Allele origin: germline.
Comment: For these reasons, this variant has been classified as Pathogenic. This variant disrupts a region of the WDR45 protein in which other variant(s) (p.Glu347Glyfs*7) have been determined to be pathogenic (PMID: 31332960). This suggests that this is a clinically significant region of the protein, and that variants that disrupt it are likely to be disease-causing. ClinVar contains an entry for this variant (Variation ID: 643939). This variant has not been reported in the literature in individuals affected with WDR45-related conditions. This variant is not present in population databases (gnomAD no frequency). This sequence change creates a premature translational stop signal (p.Glu347*) in the WDR45 gene. While this is not anticipated to result in nonsense mediated decay, it is expected to disrupt the last 15 amino acid(s) of the WDR45 protein.

Literature cited by the submitters: PubMed 31332960.